The following is an entry in ClinVar:

NM_024747.6(HPS6):c.1949A>G (p.Asp650Gly)

Gene: HPS6 (HPS6 biogenesis of lysosomal organelles complex 2 subunit 3; plus strand). Cytogenetic location: 10q24.32.
Variant type: single nucleotide variant.
Coding change: c.1949A>G on transcript NM_024747.6 (MANE Select); coding-DNA position 1949, A replaced by G.
Protein change: p.Asp650Gly; replaces aspartic acid 650 with glycine.
Molecular consequence: missense variant.
Genome position (GRCh38, 1-based): chr10:102,067,423, A>G. VCF-style: chr10-102067423-A-G. GRCh37 (hg19) VCF-style: chr10-103827180-A-G.
Other names: c.1949A>G (NM_024747.5); short protein forms D650G.
Identifiers: ClinVar variation 1430691 (VCV001430691.6), dbSNP rs940389247, ClinGen allele CA377874002.

ClinVar aggregate classification (germline): Uncertain significance. Review status: criteria provided, multiple submitters, no conflicts (2 of 4 stars). 3 submissions from 3 submitters: Uncertain significance (3). Last evaluated 2025-12-15.

Conditions:
Inborn genetic diseases. Identifiers: MedGen C0950123, MeSH D030342.

Allele frequency attached by ClinVar (database versions not stated): gnomAD exomes below 0.00001; gnomAD 0.00002; TOPMed 0.00003.

Submissions (3):

Labcorp Genetics (formerly Invitae), Labcorp
Classification: Uncertain significance. Last evaluated: 2025-12-15. Review status: criteria provided, single submitter. Criteria: Invitae Variant Classification Sherloc (09022015). Collection method: clinical testing. Allele origin: germline.
Comment: This sequence change replaces aspartic acid, which is acidic and polar, with glycine, which is neutral and non-polar, at codon 650 of the HPS6 protein (p.Asp650Gly). The frequency data for this variant in the population databases is considered unreliable, as metrics indicate poor data quality at this position in the gnomAD database. This variant has not been reported in the literature in individuals affected with HPS6-related conditions. ClinVar contains an entry for this variant (Variation ID: 1430691). Invitae Evidence Modeling of protein sequence and biophysical properties (such as structural, functional, and spatial information, amino acid conservation, physicochemical variation, residue mobility, and thermodynamic stability) indicates that this missense variant is not expected to disrupt HPS6 protein function with a negative predictive value of 80%. In summary, the available evidence is currently insufficient to determine the role of this variant in disease. Therefore, it has been classified as a Variant of Uncertain Significance.

Ambry Genetics
Classification: Uncertain significance for Inborn genetic diseases. Last evaluated: 2025-12-09. Review status: criteria provided, single submitter. Criteria: Ambry Variant Classification Scheme 2023. Collection method: clinical testing. Allele origin: germline.

Women's Health and Genetics/Laboratory Corporation of America, LabCorp
Classification: Uncertain significance. Last evaluated: 2024-12-30. Review status: criteria provided, single submitter. Criteria: LabCorp Variant Classification Summary - May 2015. Collection method: clinical testing. Allele origin: germline.
Comment: Variant summary: HPS6 c.1949A>G (p.Asp650Gly) results in a non-conservative amino acid change located in the Hermansky-Pudlak syndrome 6 protein C-terminal domain of the encoded protein sequence. Three of five in-silico tools predict a damaging effect of the variant on protein function. The variant allele was found at a frequency of 4e-06 in 250398 control chromosomes. The available data on variant occurrences in the general population are insufficient to allow any conclusion about variant significance. To our knowledge, no occurrence of c.1949A>G in individuals affected with Hermansky-Pudlak Syndrome and no experimental evidence demonstrating its impact on protein function have been reported. ClinVar contains an entry for this variant (Variation ID: 1430691). Based on the evidence outlined above, the variant was classified as uncertain significance.